The following is an entry in ClinVar:

ClinVar aggregate classification (germline): Uncertain significance. Review status: criteria provided, multiple submitters, no conflicts (2 of 4 stars). 2 submissions from 2 submitters: Uncertain significance (2). Last evaluated 2025-08-20.

Conditions:
Progressive myoclonic epilepsy. Also called: Familial progressive myoclonic epilepsy; Myoclonic Epilepsies, Progressive; Progressive myoclonus epilepsy; Myoclonus epilepsy. Identifiers: Orphanet 308, Orphanet 98261, MedGen C0751778, MONDO:0020074.

Allele frequency attached by ClinVar (database versions not stated): gnomAD exomes 0.00001; TOPMed 0.00001; gnomAD 0.00002; ESP Exome Variant Server 0.00008.
gnomAD v4.1: 32 of 1,613,888 alleles (0.002%); highest among the groups gnomAD compares: Non-Finnish European, 0.0024%; no homozygotes.

Submissions (2):

Labcorp Genetics (formerly Invitae), Labcorp
Classification: Uncertain significance for Progressive myoclonic epilepsy. Last evaluated: 2025-08-20. Review status: criteria provided, single submitter. Criteria: Invitae Variant Classification Sherloc (09022015). Collection method: clinical testing. Allele origin: germline.
Comment: This sequence change replaces arginine, which is basic and polar, with tryptophan, which is neutral and slightly polar, at codon 90 of the GOSR2 protein (p.Arg90Trp). This variant is present in population databases (rs201101417, gnomAD 0.005%). This variant has not been reported in the literature in individuals affected with GOSR2-related conditions. ClinVar contains an entry for this variant (Variation ID: 999936). An algorithm developed to predict the effect of missense changes on protein structure and function (PolyPhen-2) suggests that this variant is likely to be tolerated. In summary, the available evidence is currently insufficient to determine the role of this variant in disease. Therefore, it has been classified as a Variant of Uncertain Significance.

GeneDx
Classification: Uncertain significance. Last evaluated: 2024-03-27. Review status: criteria provided, single submitter. Criteria: GeneDx Variant Classification Process June 2021. Collection method: clinical testing. Allele origin: germline. Affected: yes.
Comment: Not observed at significant frequency in large population cohorts (gnomAD); In silico analysis supports that this missense variant has a deleterious effect on protein structure/function; Has not been previously published as pathogenic or benign to our knowledge

NM_004287.5(GOSR2):c.268C>T (p.Arg90Trp)

Genes: GOSR2 (golgi SNAP receptor complex member 2; plus strand), LRRC37A2 (leucine rich repeat containing 37 member A2), LOC126862578 (BRD4-independent group 4 enhancer GRCh37_chr17:45008344-45009543; plus strand). Cytogenetic location: 17q21.32.
Variant type: single nucleotide variant.
Coding change: c.268C>T on transcript NM_004287.5 (MANE Select); coding-DNA position 268, C replaced by T.
Protein change: p.Arg90Trp; replaces arginine 90 with tryptophan.
Molecular consequence: missense variant. On other transcripts: non-coding transcript variant (3).
Genome position (GRCh38, 1-based): chr17:46,932,131, C>T. VCF-style: chr17-46932131-C-T. GRCh37 (hg19) VCF-style: chr17-45009497-C-T.
Other names: c.268C>T, p.Arg90Trp (NM_001012511.3, NM_001321133.2, NM_001330252.2 and 1 more transcripts); c.214C>T, p.Arg72Trp (NM_001321134.2, NM_001363851.2); c.265C>T, p.Arg89Trp (NM_001353114.2, NM_001353115.2, NM_001353116.2); c.268C>T (NM_004287.3); short protein forms R72W, R89W, R90W.
Identifiers: ClinVar variation 999936 (VCV000999936.8), dbSNP rs201101417, ClinGen allele CA291198856.